The following is an entry in ClinVar:

ClinVar aggregate classification (germline): Likely pathogenic (1 of 4 stars; one submission).

Conditions:
Dilated cardiomyopathy 1G (CMD1G). Identifiers: Orphanet 154, MedGen C1858763, MONDO:0011400, OMIM 604145.
Autosomal recessive limb-girdle muscular dystrophy type 2J (LGMDR10). Also called: Limb-girdle muscular dystrophy, type 2J; MUSCULAR DYSTROPHY, LIMB-GIRDLE, AUTOSOMAL RECESSIVE 10. Identifiers: Orphanet 140922, MedGen C1837342, MONDO:0012127, OMIM 608807.

Submission:

Labcorp Genetics (formerly Invitae), Labcorp
Classification: Likely pathogenic for Dilated cardiomyopathy 1G; Autosomal recessive limb-girdle muscular dystrophy type 2J. Last evaluated: 2021-07-21. Review status: criteria provided, single submitter. Criteria: Invitae Variant Classification Sherloc (09022015). Collection method: clinical testing. Allele origin: germline.
Comment: In summary, the currently available evidence indicates that the variant is pathogenic, but additional data are needed to prove that conclusively. Therefore, this variant has been classified as Likely Pathogenic. This variant is located in the A band of TTN (PMID: 25589632). Truncating variants in this region are significantly overrepresented in patients affected with dilated cardiomyopathy (PMID: 25589632). Truncating variants in this region have also been reported in individuals affected with autosomal recessive centronuclear myopathy (PMID: 23975875). This variant has not been reported in the literature in individuals with TTN-related conditions. This variant is not present in population databases (ExAC no frequency). This sequence change results in a premature translational stop signal in the TTN gene (p.Val29695*). While this is not anticipated to result in nonsense mediated decay, it is expected to create a truncated TTN protein.

Literature cited by the submitters: PubMed 25589632; PubMed 23975875.

NM_001267550.2(TTN):c.89083del (p.Lys29694_Val29695insTer)

Genes: TTN (titin; minus strand), TTN-AS1 (TTN antisense RNA 1; plus strand). Cytogenetic location: 2q31.2.
Variant type: Deletion.
Coding change: c.89083del on transcript NM_001267550.2 (MANE Select); coding-DNA position 89083, one base deleted (G; older notation c.89083delG).
Protein change: p.Lys29694_Val29695insTer.
Molecular consequence: nonsense.
Genome position (GRCh38, 1-based): chr2:178,554,028, C deleted on the plus strand (G on the coding strand, the reverse complement: TTN is on the minus strand). VCF-style (leftmost placement, unchanged base first): chr2-178554027-AC-A. GRCh37 (hg19) VCF-style: chr2-179418754-AC-A.
Other names: c.84160del, p.Lys28053_Val28054insTer (NM_001256850.1); c.61888del, p.Lys20629_Val20630insTer (NM_003319.4); c.81379del, p.Lys27126_Val27127insTer (NM_133378.4); c.62263del, p.Lys20754_Val20755insTer (NM_133432.3); c.62464del, p.Lys20821_Val20822insTer (NM_133437.4).
Identifiers: ClinVar variation 1067551 (VCV001067551.9), dbSNP rs2154152514, ClinGen allele CA2499215322.